The following is an entry in ClinVar:

ClinVar aggregate classification (germline): Uncertain significance (1 of 4 stars; one submission).

Allele frequency attached by ClinVar (database versions not stated): ExAC 0.00001; gnomAD exomes 0.00001.
gnomAD v4.1: 9 of 1,614,202 alleles (0.00056%); highest among the groups gnomAD compares: Non-Finnish European, 0.00068%; no homozygotes.

Submission:

Labcorp Genetics (formerly Invitae), Labcorp
Classification: Uncertain significance. Last evaluated: 2022-04-12. Review status: criteria provided, single submitter. Criteria: Invitae Variant Classification Sherloc (09022015). Collection method: clinical testing. Allele origin: germline.
Comment: This sequence change replaces glycine, which is neutral and non-polar, with aspartic acid, which is acidic and polar, at codon 197 of the VPS33B protein (p.Gly197Asp). This variant is present in population databases (rs770899857, gnomAD 0.002%). This variant has not been reported in the literature in individuals affected with VPS33B-related conditions. Algorithms developed to predict the effect of missense changes on protein structure and function are either unavailable or do not agree on the potential impact of this missense change (SIFT: "Not Available"; PolyPhen-2: "Probably Damaging"; Align-GVGD: "Not Available"). In summary, the available evidence is currently insufficient to determine the role of this variant in disease. Therefore, it has been classified as a Variant of Uncertain Significance.

NM_018668.5(VPS33B):c.590G>A (p.Gly197Asp)

Gene: VPS33B (VPS33B late endosome and lysosome associated; minus strand). Cytogenetic location: 15q26.1.
Variant type: single nucleotide variant.
Coding change: c.590G>A on transcript NM_018668.5 (MANE Select); coding-DNA position 590, G replaced by A.
Protein change: p.Gly197Asp; replaces glycine 197 with aspartic acid.
Molecular consequence: missense variant.
Genome position (GRCh38, 1-based): chr15:91,007,482, C>T on the plus strand (G>A on the coding strand, the complement: VPS33B is on the minus strand). VCF-style: chr15-91007482-C-T. GRCh37 (hg19) VCF-style: chr15-91550712-C-T.
Other names: c.509G>A, p.Gly170Asp (NM_001289148.1); c.317G>A, p.Gly106Asp (NM_001289149.1); short protein forms G170D, G106D, G197D.
Identifiers: ClinVar variation 1964175 (VCV001964175.2), dbSNP rs770899857, ClinGen allele CA7744996.